The following is an entry in ClinVar:

NM_020822.3(KCNT1):c.2900G>A (p.Gly967Asp)

Gene: KCNT1 (potassium sodium-activated channel subfamily T member 1; plus strand). Cytogenetic location: 9q34.3.
Variant type: single nucleotide variant.
Coding change: c.2900G>A on transcript NM_020822.3 (MANE Select); coding-DNA position 2900, G replaced by A.
Protein change: p.Gly967Asp; replaces glycine 967 with aspartic acid.
Molecular consequence: missense variant.
Genome position (GRCh38, 1-based): chr9:135,784,082, G>A. VCF-style: chr9-135784082-G-A. GRCh37 (hg19) VCF-style: chr9-138675928-G-A.
Other names: c.2765G>A, p.Gly922Asp (NM_001272003.2); short protein forms G967D, G922D.
Identifiers: ClinVar variation 3755073 (VCV003755073.3).

ClinVar aggregate classification (germline): Uncertain significance. Review status: criteria provided, multiple submitters, no conflicts (2 of 4 stars). 2 submissions from 2 submitters: Uncertain significance (2). Last evaluated 2024-03-03.

Conditions:
Developmental and epileptic encephalopathy, 14 (DEE14). Also called: Early infantile epileptic encephalopathy 14. Identifiers: Orphanet 293181, MedGen C3554195, MONDO:0013989, OMIM 614959.
Autosomal dominant nocturnal frontal lobe epilepsy 5. Also called: KCNT1-Related Epilepsy; CILIARY DYSKINESIA, PRIMARY, 28, WITHOUT SITUS INVERSUS; CILIARY DYSKINESIA, PRIMARY, 28, WITH SITUS INVERSUS; Epilepsy, nocturnal frontal lobe, 5. Identifiers: Orphanet 98784, MedGen C3554306, MONDO:0014002, OMIM 615005.

Submissions (2):

Labcorp Genetics (formerly Invitae), Labcorp
Classification: Uncertain significance for Autosomal dominant nocturnal frontal lobe epilepsy 5; Developmental and epileptic encephalopathy, 14. Last evaluated: 2024-03-03. Review status: criteria provided, single submitter. Criteria: Invitae Variant Classification Sherloc (09022015). Collection method: clinical testing. Allele origin: germline.
Comment: This sequence change replaces glycine, which is neutral and non-polar, with aspartic acid, which is acidic and polar, at codon 967 of the KCNT1 protein (p.Gly967Asp). This variant is not present in population databases (gnomAD no frequency). This variant has not been reported in the literature in individuals affected with KCNT1-related conditions. Advanced modeling of protein sequence and biophysical properties (such as structural, functional, and spatial information, amino acid conservation, physicochemical variation, residue mobility, and thermodynamic stability) performed at Invitae indicates that this missense variant is expected to disrupt KCNT1 protein function with a positive predictive value of 80%. In summary, the available evidence is currently insufficient to determine the role of this variant in disease. Therefore, it has been classified as a Variant of Uncertain Significance.

3billion
Classification: Uncertain significance for Developmental and epileptic encephalopathy, 14. Last evaluated: 2023-12-08. Review status: criteria provided, single submitter. Criteria: ACMG Guidelines, 2015. Collection method: clinical testing. Allele origin: germline. Affected: yes.
Comment: The variant is not observed in the gnomAD v2.1.1 dataset. Predicted Consequence/Location: Missense changes are a common disease-causing mechanism. In silico tool predictions suggest damaging effect of the variant on gene or gene product [REVEL: 0.89 (>=0.6, sensitivity 0.68 and specificity 0.92); 3Cnet: 0.97 (>=0.6, sensitivity 0.72 and precision 0.9)]. Therefore, this variant is classified as VUS according to the recommendation of ACMG/AMP guideline.